The following is an entry in ClinVar:

ClinVar aggregate classification (germline): Uncertain significance (1 of 4 stars; one submission).

Submission:

Labcorp Genetics (formerly Invitae), Labcorp
Classification: Uncertain significance. Last evaluated: 2022-07-01. Review status: criteria provided, single submitter. Criteria: Invitae Variant Classification Sherloc (09022015). Collection method: clinical testing. Allele origin: germline.
Comment: This variant, c.67_90dup, results in the insertion of 8 amino acid(s) of the ATOH7 protein (p.Thr23_Ala30dup), but otherwise preserves the integrity of the reading frame. This variant is not present in population databases (gnomAD no frequency). This variant has not been reported in the literature in individuals affected with ATOH7-related conditions. ClinVar contains an entry for this variant (Variation ID: 955209). Experimental studies and prediction algorithms are not available or were not evaluated, and the functional significance of this variant is currently unknown. In summary, the available evidence is currently insufficient to determine the role of this variant in disease. Therefore, it has been classified as a Variant of Uncertain Significance.

NM_145178.4(ATOH7):c.67_90dup (p.Thr23_Ala30dup)

Genes: ATOH7 (atonal bHLH transcription factor 7; minus strand), LOC130003943 (ATAC-STARR-seq lymphoblastoid silent region 2418; plus strand). Cytogenetic location: 10q21.3.
Variant type: Duplication.
Coding change: c.67_90dup on transcript NM_145178.4 (MANE Select); coding-DNA positions 67 to 90, 24 bases duplicated (ACCGAGTGCGCGGGCACGTGCGCC).
Protein change: p.Thr23_Ala30dup.
Molecular consequence: inframe insertion.
Genome position (GRCh38, 1-based): chr10:68,231,588-68,231,611, GGCGCACGTGCCCGCGCACTCGGT duplicated on the plus strand (ACCGAGTGCGCGGGCACGTGCGCC on the coding strand, the reverse complement: ATOH7 is on the minus strand); duplicating any 24 consecutive bases within chr10:68,231,588-68,231,612 gives the same sequence; the c. name uses the placement nearest the transcript's 3' end. VCF-style (leftmost placement, unchanged base first): chr10-68231587-C-CGGCGCACGTGCCCGCGCACTCGGT. GRCh37 (hg19) VCF-style: chr10-69991344-C-CGGCGCACGTGCCCGCGCACTCGGT.
Identifiers: ClinVar variation 955209 (VCV000955209.7), dbSNP rs2044027998, ClinGen allele CA1139661460.